The following is an entry in ClinVar:

ClinVar aggregate classification (germline): Conflicting classifications of pathogenicity. Review status: criteria provided, conflicting classifications (1 of 4 stars). 3 submissions from 3 submitters: Uncertain significance (1); Likely benign (1). 1 of the submissions does not count toward it. Last evaluated 2025-08-02.

Conditions:
ABCB11-related disorder. Also called: ABCB11-related condition.
Inborn genetic diseases. Identifiers: MedGen C0950123, MeSH D030342.

Allele frequency attached by ClinVar (database versions not stated): TOPMed 0.00002; gnomAD 0.00003; ExAC 0.00005; gnomAD exomes 0.00011.

Submissions (3):

Ambry Genetics
Classification: Uncertain significance for Inborn genetic diseases. Last evaluated: 2025-08-02. Review status: criteria provided, single submitter. Criteria: Ambry Variant Classification Scheme 2023. Collection method: clinical testing. Allele origin: germline.

Labcorp Genetics (formerly Invitae), Labcorp
Classification: Likely benign. Last evaluated: 2024-02-16. Review status: criteria provided, single submitter. Criteria: Invitae Variant Classification Sherloc (09022015). Collection method: clinical testing. Allele origin: germline.

PreventionGenetics, part of Exact Sciences
Classification: Uncertain significance for ABCB11-related condition. Last evaluated: 2024-04-18. Review status: no assertion criteria provided. Collection method: clinical testing. Allele origin: germline. Not counted in ClinVar's aggregate classification.
Comment: The ABCB11 c.1324A>T variant is predicted to result in the amino acid substitution p.Asn442Tyr. To our knowledge, this variant has not been reported in the literature. This variant is reported in 0.0065% of alleles in individuals of African descent in gnomAD. At this time, the clinical significance of this variant is uncertain due to the absence of conclusive functional and genetic evidence.

NM_003742.4(ABCB11):c.1324A>T (p.Asn442Tyr)

Gene: ABCB11 (ATP binding cassette subfamily B member 11; minus strand). Cytogenetic location: 2q31.1.
Variant type: single nucleotide variant.
Coding change: c.1324A>T on transcript NM_003742.4 (MANE Select); coding-DNA position 1324, A replaced by T.
Protein change: p.Asn442Tyr; replaces asparagine 442 with tyrosine.
Molecular consequence: missense variant.
Genome position (GRCh38, 1-based): chr2:168,973,825, T>A on the plus strand (A>T on the coding strand, the complement: ABCB11 is on the minus strand). VCF-style: chr2-168973825-T-A. GRCh37 (hg19) VCF-style: chr2-169830335-T-A.
Other names: c.1324A>T (NM_003742.2); short protein forms N442Y.
Identifiers: ClinVar variation 2140565 (VCV002140565.6), dbSNP rs764220674, ClinGen allele CA1951606.
Genomic context (GRCh38, chr2:168,973,825, plus strand): 5'-TTTTTCCAGCTCCACTGGGTCCTACCAGAGCTGTCATTTCCCCTGGTTTAATGACCATGT[T>A]GAGGTCATTTAGAATCTGGAGAAGAAAGAAAACAGCAAAGTTCAGATTGTCACTGTTTAC-3'
Protein context (NP_003733.2, residues 432-452): RPEVKILNDL[Asn442Tyr]MVIKPGEMTA